The following is an entry in ClinVar:

NM_004614.5(TK2):c.47G>A (p.Cys16Tyr)

Genes: TK2 (thymidine kinase 2; minus strand), LOC130059156 (ATAC-STARR-seq lymphoblastoid silent region 7560; plus strand). Cytogenetic location: 16q21.
Variant type: single nucleotide variant.
Coding change: c.47G>A on transcript NM_004614.5 (MANE Select); coding-DNA position 47, G replaced by A.
Protein change: p.Cys16Tyr; replaces cysteine 16 with tyrosine.
Molecular consequence: missense variant. On other transcripts: 5 prime UTR variant (2), non-coding transcript variant (1), intron variant (2).
Genome position (GRCh38, 1-based): chr16:66,550,015, C>T on the plus strand (G>A on the coding strand, the complement: TK2 is on the minus strand). VCF-style: chr16-66550015-C-T. GRCh37 (hg19) VCF-style: chr16-66583918-C-T.
Other names: c.47G>A, p.Cys16Tyr (NM_001172644.2, NM_001172645.2); c.-196G>A (NM_001271934.2); c.-606G>A (NM_001272050.2); c.31+238G>A (NM_001271935.1, NM_001172643.1); short protein forms C16Y.
Identifiers: ClinVar variation 1947096 (VCV001947096.2), dbSNP rs1040247973, ClinGen allele CA282199441.

ClinVar aggregate classification (germline): Uncertain significance (1 of 4 stars; one submission).

Allele frequency attached by ClinVar (database versions not stated): gnomAD exomes 0.00001; gnomAD 0.00004; TOPMed 0.00004.
gnomAD v4.1: 11 of 1,544,754 alleles (0.00071%); highest among the groups gnomAD compares: African/African-American, 0.015%; no homozygotes.

Submission:

Labcorp Genetics (formerly Invitae), Labcorp
Classification: Uncertain significance. Last evaluated: 2022-07-19. Review status: criteria provided, single submitter. Criteria: Invitae Variant Classification Sherloc (09022015). Collection method: clinical testing. Allele origin: germline.
Comment: This sequence change replaces cysteine, which is neutral and slightly polar, with tyrosine, which is neutral and polar, at codon 16 of the TK2 protein (p.Cys16Tyr). The frequency data for this variant in the population databases is considered unreliable, as metrics indicate poor data quality at this position in the gnomAD database. This variant has not been reported in the literature in individuals affected with TK2-related conditions. Advanced modeling of protein sequence and biophysical properties (such as structural, functional, and spatial information, amino acid conservation, physicochemical variation, residue mobility, and thermodynamic stability) performed at Invitae indicates that this missense variant is not expected to disrupt TK2 protein function. In summary, the available evidence is currently insufficient to determine the role of this variant in disease. Therefore, it has been classified as a Variant of Uncertain Significance.